The following is an entry in ClinVar:

ClinVar aggregate classification (germline): Likely pathogenic (1 of 4 stars; one submission).

Conditions:
Duchenne muscular dystrophy (DMD). Also called: MUSCULAR DYSTROPHY, PSEUDOHYPERTROPHIC PROGRESSIVE, DUCHENNE TYPE; Duchenne Muscular Dystrophy (DMD). Identifiers: Orphanet 98896, MedGen C0013264, MONDO:0010679, OMIM 310200.

Submission:

Labcorp Genetics (formerly Invitae), Labcorp
Classification: Likely pathogenic for Duchenne muscular dystrophy. Last evaluated: 2019-07-21. Review status: criteria provided, single submitter. Criteria: Invitae Variant Classification Sherloc (09022015). Collection method: clinical testing. Allele origin: germline.
Comment: This variant results in a copy number gain of the genomic region encompassing exons 55-60 of the DMD gene. While the exact position of this variant cannot be determined from this data, sub-genic copy number gains are generally in tandem (PMID: 25640679) and may result in an absent or disrupted protein product. This variant has not been reported in the literature in individuals with DMD-related conditions. Loss-of-function variants in DMD are known to be pathogenic (PMID: 16770791, 25007885). In summary, the currently available evidence indicates that the variant is pathogenic, but additional data are needed to prove that conclusively. Therefore, this variant has been classified as Likely Pathogenic.

Literature cited by the submitters: PubMed 25640679; PubMed 16770791; PubMed 25007885.

NC_000023.10:g.(?_31462588)_31645989dup

Gene: DMD (dystrophin; minus strand).
Variant type: Duplication.
Identifiers: ClinVar variation 1066253 (VCV001066253.2).